The following is an entry in ClinVar:

ClinVar aggregate classification (germline): Likely benign (1 of 4 stars; one submission).

gnomAD v4.1: 17 of 1,604,524 alleles (0.0011%); highest among the groups gnomAD compares: Non-Finnish European, 0.0014%; no homozygotes.

Submission:

Women's Health and Genetics/Laboratory Corporation of America, LabCorp
Classification: Likely benign. Last evaluated: 2024-07-08. Review status: criteria provided, single submitter. Criteria: LabCorp Variant Classification Summary - May 2015. Collection method: clinical testing. Allele origin: germline.
Comment: Variant summary: CTCF c.1140G>A alters a conserved nucleotide resulting in a synonymous change. Consensus agreement among computation tools predict no significant impact on normal splicing. However, these predictions have yet to be confirmed by functional studies. The variant allele was found at a frequency of 4e-06 in 251124 control chromosomes. The available data on variant occurrences in the general population are insufficient to allow any conclusion about variant significance. To our knowledge, no occurrence of c.1140G>A in individuals affected with Mental retardation, autosomal dominant 21 and no experimental evidence demonstrating its impact on protein function have been reported. No submitters have cited clinical-significance assessments for this variant to ClinVar. Based on the evidence outlined above, the variant was classified as likely benign.

NM_006565.4(CTCF):c.1140G>A (p.Gln380=)

Gene: CTCF (CCCTC-binding factor; plus strand). Cytogenetic location: 16q22.1.
Variant type: single nucleotide variant.
Coding change: c.1140G>A on transcript NM_006565.4 (MANE Select); coding-DNA position 1140, G replaced by A.
Protein change: p.Gln380=; no amino-acid change (glutamine 380 retained).
Molecular consequence: synonymous variant.
Genome position (GRCh38, 1-based): chr16:67,620,750, G>A. VCF-style: chr16-67620750-G-A. GRCh37 (hg19) VCF-style: chr16-67654653-G-A.
Other names: c.156G>A, p.Gln52= (NM_001191022.2); c.1140G>A, p.Gln380= (NM_001363916.2).
Identifiers: ClinVar variation 3339062 (VCV003339062.1).